The following is an entry in ClinVar:

NM_000512.5(GALNS):c.142G>A (p.Val48Met)

Gene: GALNS (galactosamine (N-acetyl)-6-sulfatase; minus strand). Cytogenetic location: 16q24.3.
Variant type: single nucleotide variant.
Coding change: c.142G>A on transcript NM_000512.5 (MANE Select); coding-DNA position 142, G replaced by A.
Protein change: p.Val48Met; replaces valine 48 with methionine.
Molecular consequence: missense variant. On other transcripts: intron variant (1).
Genome position (GRCh38, 1-based): chr16:88,842,808, C>T on the plus strand (G>A on the coding strand, the complement: GALNS is on the minus strand). VCF-style: chr16-88842808-C-T. GRCh37 (hg19) VCF-style: chr16-88909216-C-T.
Other names: c.160G>A, p.Val54Met (NM_001323544.2); c.-311-837G>A (NM_001323543.2); short protein forms V48M, V54M.
Identifiers: ClinVar variation 1048260 (VCV001048260.3), dbSNP rs1377186614, ClinGen allele CA397092038.

ClinVar aggregate classification (germline): Uncertain significance (1 of 4 stars; one submission).

Conditions:
Mucopolysaccharidosis, MPS-IV-A (MPS4A). Also called: Mucopolysaccharidosis type IV A; Mucopolysaccharidosis Type IVA; Morquio syndrome A, mild; MORQUIO SYNDROME A; MPS IVA; mucopolysaccharidosis type 4A. Identifiers: Orphanet 309297, Orphanet 582, MedGen C0086651, MONDO:0009659, OMIM 253000.

gnomAD v4.1: 1 of 1,613,424 alleles (0.000062%); highest among the groups gnomAD compares: Non-Finnish European, 0.000085%; no homozygotes.

Submission:

Laboratory of Diagnosis and Therapy of Lysosomal Disorders, University of Padova
Classification: Uncertain significance for Mucopolysaccharidosis, MPS-IV-A. Last evaluated: 2021-02-01. Review status: criteria provided, single submitter. Criteria: ACMG Guidelines, 2015. Collection method: research. Allele origin: germline. Affected: yes.
Comment: Absent from gnomAD v2.1.1 (PM2_moderate)

Literature cited by the submitters: PubMed 34387910.